The following is an entry in ClinVar:

ClinVar aggregate classification (germline): Uncertain significance. Review status: criteria provided, single submitter (1 of 4 stars). 2 submissions from 2 submitters: Uncertain significance (1). 1 of the submissions does not count toward it. Last evaluated 2021-02-09.

Conditions:
COG5-congenital disorder of glycosylation. Also called: CDG IIi; CONGENITAL DISORDER OF GLYCOSYLATION, TYPE IIi; COG5-CDG. Identifiers: Orphanet 263487, MedGen C3150876, MONDO:0013325, OMIM 613612.

Allele frequency attached by ClinVar (database versions not stated): gnomAD exomes below 0.00001; TOPMed below 0.00001; gnomAD 0.00001.
gnomAD v4.1: 2 of 1,613,302 alleles (0.00012%); highest among the groups gnomAD compares: African/African-American, 0.0013%; no homozygotes.

Submissions (2):

Labcorp Genetics (formerly Invitae), Labcorp
Classification: Uncertain significance for COG5-congenital disorder of glycosylation. Last evaluated: 2021-02-09. Review status: criteria provided, single submitter. Criteria: Invitae Variant Classification Sherloc (09022015). Collection method: clinical testing. Allele origin: germline.
Comment: This sequence change replaces alanine with glycine at codon 543 of the COG5 protein (p.Ala543Gly). The alanine residue is highly conserved and there is a small physicochemical difference between alanine and glycine. This variant is not present in population databases (ExAC no frequency). This variant has not been reported in the literature in individuals with COG5-related conditions. ClinVar contains an entry for this variant (Variation ID: 592140). Algorithms developed to predict the effect of missense changes on protein structure and function (SIFT, PolyPhen-2, Align-GVGD) all suggest that this variant is likely to be tolerated, but these predictions have not been confirmed by published functional studies and their clinical significance is uncertain. In summary, the available evidence is currently insufficient to determine the role of this variant in disease. Therefore, it has been classified as a Variant of Uncertain Significance.

Biochemical Molecular Genetic Laboratory, King Abdulaziz Medical City
Classification: Uncertain significance for COG5-congenital disorder of glycosylation. Last evaluated: 2018-06-26. Review status: no assertion criteria provided. Collection method: clinical testing. Allele origin: germline. Affected: yes. Not counted in ClinVar's aggregate classification.

NM_006348.5(COG5):c.1535C>G (p.Ala512Gly)

Gene: COG5 (component of oligomeric golgi complex 5; minus strand). Cytogenetic location: 7q22.3.
Variant type: single nucleotide variant.
Coding change: c.1535C>G on transcript NM_006348.5 (MANE Select); coding-DNA position 1535, C replaced by G.
Protein change: p.Ala512Gly; replaces alanine 512 with glycine.
Molecular consequence: missense variant.
Genome position (GRCh38, 1-based): chr7:107,281,340, G>C on the plus strand (C>G on the coding strand, the complement: COG5 is on the minus strand). VCF-style: chr7-107281340-G-C. GRCh37 (hg19) VCF-style: chr7-106921785-G-C.
Other names: c.1535C>G, p.Ala512Gly (NM_001161520.2, NM_001379512.1, NM_001379513.1 and 2 more transcripts); c.1373C>G, p.Ala458Gly (NM_001379511.1); c.965C>G, p.Ala322Gly (NM_001379515.1); c.821C>G, p.Ala274Gly (NM_001379516.1); short protein forms A543G, A274G, A512G, A322G, A458G.
Identifiers: ClinVar variation 592140 (VCV000592140.8), dbSNP rs1037950511, ClinGen allele CA164687563.